The following is an entry in ClinVar:

NM_000565.4(IL6R):c.768A>G (p.Arg256=)

Gene: IL6R (interleukin 6 receptor; plus strand). Cytogenetic location: 1q21.3.
Variant type: single nucleotide variant.
Coding change: c.768A>G on transcript NM_000565.4 (MANE Select); coding-DNA position 768, A replaced by G.
Protein change: p.Arg256=; no amino-acid change (arginine 256 retained).
Molecular consequence: synonymous variant.
Genome position (GRCh38, 1-based): chr1:154,435,117, A>G. VCF-style: chr1-154435117-A-G. GRCh37 (hg19) VCF-style: chr1-154407593-A-G.
Other names: c.768A>G, p.Arg256= (NM_001206866.2, NM_001382769.1, NM_001382770.1 and 4 more transcripts); c.408A>G, p.Arg136= (NM_001382774.1).
Identifiers: ClinVar variation 1489890 (VCV001489890.6), dbSNP rs1029556144, ClinGen allele CA30799111.

ClinVar aggregate classification (germline): Uncertain significance (1 of 4 stars; one submission).

Allele frequency attached by ClinVar (database versions not stated): gnomAD 0.00001; gnomAD exomes 0.00001; TOPMed 0.00001.
gnomAD v4.1: 14 of 1,614,038 alleles (0.00087%); highest among the groups gnomAD compares: East Asian, 0.011%; no homozygotes.

Submission:

Labcorp Genetics (formerly Invitae), Labcorp
Classification: Uncertain significance. Last evaluated: 2022-11-22. Review status: criteria provided, single submitter. Criteria: Invitae Variant Classification Sherloc (09022015). Collection method: clinical testing. Allele origin: germline.
Comment: In summary, the available evidence is currently insufficient to determine the role of this variant in disease. Therefore, it has been classified as a Variant of Uncertain Significance. Algorithms developed to predict the effect of sequence changes on RNA splicing suggest that this variant may create or strengthen a splice site. ClinVar contains an entry for this variant (Variation ID: 1489890). This variant has not been reported in the literature in individuals affected with IL6R-related conditions. This variant is present in population databases (no rsID available, gnomAD 0.006%). This sequence change affects codon 256 of the IL6R mRNA. It is a 'silent' change, meaning that it does not change the encoded amino acid sequence of the IL6R protein.